The following is an entry in ClinVar:

NM_201384.3(PLEC):c.10302C>T (p.Thr3434=)

Gene: PLEC (plectin; minus strand). Cytogenetic location: 8q24.3.
Variant type: single nucleotide variant.
Coding change: c.10302C>T on transcript NM_201384.3 (MANE Select); coding-DNA position 10302, C replaced by T.
Protein change: p.Thr3434=; no amino-acid change (threonine 3434 retained).
Molecular consequence: synonymous variant.
Genome position (GRCh38, 1-based): chr8:143,919,519, G>A on the plus strand (C>T on the coding strand, the complement: PLEC is on the minus strand). VCF-style: chr8-143919519-G-A. GRCh37 (hg19) VCF-style: chr8-144993687-G-A.
Other names: c.10383C>T, p.Thr3461= (NM_000445.5); c.10260C>T, p.Thr3420= (NM_201378.4); c.10236C>T, p.Thr3412= (NM_201379.3); c.10713C>T, p.Thr3571= (NM_201380.4); c.10206C>T, p.Thr3402= (NM_201381.3); c.10302C>T, p.Thr3434= (NM_201382.4); c.10314C>T, p.Thr3438= (NM_201383.3).
Identifiers: ClinVar variation 704770 (VCV000704770.12), dbSNP rs199879193, ClinGen allele CA4924691.

ClinVar aggregate classification (germline): Likely benign. Review status: criteria provided, multiple submitters, no conflicts (2 of 4 stars). 2 submissions from 2 submitters: Likely benign (2). Last evaluated 2025-11-11.

Conditions:
PLEC-related disorder. Also called: PLEC-related disorders; PLEC-related condition.
Epidermolysis bullosa simplex with nail dystrophy (EBS5D). Identifiers: MedGen C4225309, MONDO:0014661, OMIM 616487.
Epidermolysis bullosa simplex 5B, with muscular dystrophy (EBS5B). Also called: Epidermolysis bullosa simplex with muscular dystrophy; EPIDERMOLYSIS BULLOSA SIMPLEX AND LIMB-GIRDLE MUSCULAR DYSTROPHY. Identifiers: Orphanet 257, MedGen C2931072, MONDO:0009181, OMIM 226670.
Autosomal recessive limb-girdle muscular dystrophy type 2Q (LGMDR17). Also called: MUSCULAR DYSTROPHY, LIMB-GIRDLE, AUTOSOMAL RECESSIVE 17. Identifiers: Orphanet 254361, MedGen C3150989, MONDO:0013390, OMIM 613723.
Epidermolysis bullosa simplex 5C, with pyloric atresia (EBS5C). Also called: PLEC-Related Epidermolysis Bullosa with Pyloric Atresia; Epidermolysis bullosa simplex with pyloric atresia; PLEC1-Related Epidermolysis Bullosa with Pyloric Atresia. Identifiers: Orphanet 158684, MedGen C2677349, MONDO:0012807, OMIM 612138.
Epidermolysis bullosa simplex, Ogna type (EBS5A). Also called: Pidermolysis bullosa simplex 5A, Ogna type; EPIDERMOLYSIS BULLOSA SIMPLEX 5A, OGNA TYPE. Identifiers: Orphanet 79401, MedGen C0432317, MONDO:0007555, OMIM 131950.

Allele frequency attached by ClinVar (database versions not stated): TOPMed 0.00008; 1000 Genomes Project 30x 0.00016; 1000 Genomes Project 0.00020.
gnomAD v4.1: 29 of 1,612,250 alleles (0.0018%); highest among the groups gnomAD compares: East Asian, 0.018%; 1 homozygote.

Submissions (2):

PreventionGenetics, part of Exact Sciences
Classification: Likely benign for PLEC-related condition. Last evaluated: 2025-11-11. Review status: criteria provided, single submitter. Criteria: ACMG Guidelines, 2015. Collection method: clinical testing. Allele origin: germline.
Comment: This variant is classified as likely benign based on ACMG/AMP sequence variant interpretation guidelines (Richards et al. 2015 PMID: 25741868, with internal and published modifications).

Labcorp Genetics (formerly Invitae), Labcorp
Classification: Likely benign for Autosomal recessive limb-girdle muscular dystrophy type 2Q; Epidermolysis bullosa simplex, Ogna type; Epidermolysis bullosa simplex with nail dystrophy; Epidermolysis bullosa simplex 5C, with pyloric atresia; Epidermolysis bullosa simplex 5B, with muscular dystrophy. Last evaluated: 2025-03-22. Review status: criteria provided, single submitter. Criteria: Invitae Variant Classification Sherloc (09022015). Collection method: clinical testing. Allele origin: germline.